The following is an entry in ClinVar:

NM_201253.3(CRB1):c.1096A>C (p.Ile366Leu)

Gene: CRB1 (crumbs cell polarity complex component 1; plus strand). Cytogenetic location: 1q31.3.
Variant type: single nucleotide variant.
Coding change: c.1096A>C on transcript NM_201253.3 (MANE Select); coding-DNA position 1096, A replaced by C.
Protein change: p.Ile366Leu; replaces isoleucine 366 with leucine.
Molecular consequence: missense variant. On other transcripts: non-coding transcript variant (2).
Genome position (GRCh38, 1-based): chr1:197,356,938, A>C. VCF-style: chr1-197356938-A-C. GRCh37 (hg19) VCF-style: chr1-197326068-A-C.
Other names: c.760A>C, p.Ile254Leu (NM_001193640.2); c.889A>C, p.Ile297Leu (NM_001257965.2); c.1096A>C, p.Ile366Leu (NM_001257966.2); short protein forms I297L, I366L, I254L.
Identifiers: ClinVar variation 944544 (VCV000944544.5), dbSNP rs763122264, ClinGen allele CA1311807.

ClinVar aggregate classification (germline): Conflicting classifications of pathogenicity. Review status: criteria provided, conflicting classifications (1 of 4 stars). 3 submissions from 3 submitters: Uncertain significance (1); Likely benign (1). 1 of the submissions does not count toward it. Last evaluated 2025-02-28.

Conditions:
Inborn genetic diseases. Identifiers: MedGen C0950123, MeSH D030342.
Retinitis pigmentosa 12 (RP12). Also called: RP WITH OR WITHOUT PPRPE; RP WITH OR WITHOUT PRESERVED PARAARTERIOLE RETINAL PIGMENT EPITHELIUM; RETINITIS PIGMENTOSA WITH OR WITHOUT PARAARTERIOLAR PRESERVATION OF RETINAL PIGMENT EPITHELIUM. Identifiers: Orphanet 791, MedGen C1838647, MONDO:0010818, OMIM 600105.
Leber congenital amaurosis 8 (LCA8). Identifiers: Orphanet 65, MedGen C3151202, MONDO:0013453, OMIM 613835.
Leber congenital amaurosis (LCA). Also called: Leber's amaurosis. Identifiers: Orphanet 65, MedGen C0339527, MeSH D057130, MONDO:0018998.

Allele frequency attached by ClinVar (database versions not stated): gnomAD exomes below 0.00001; ExAC 0.00001; gnomAD 0.00002 and 0.00003; TOPMed 0.00004.
gnomAD v4.1: 11 of 1,614,118 alleles (0.00068%); highest among the groups gnomAD compares: Admixed American, 0.0033%; no homozygotes.

Submissions (3):

Ambry Genetics
Classification: Likely benign for Inborn genetic diseases. Last evaluated: 2025-02-28. Review status: criteria provided, single submitter. Criteria: Ambry Variant Classification Scheme 2023. Collection method: clinical testing. Allele origin: germline.

Labcorp Genetics (formerly Invitae), Labcorp
Classification: Uncertain significance for Leber congenital amaurosis 8; Retinitis pigmentosa 12. Last evaluated: 2022-08-16. Review status: criteria provided, single submitter. Criteria: Invitae Variant Classification Sherloc (09022015). Collection method: clinical testing. Allele origin: germline.
Comment: This sequence change replaces isoleucine, which is neutral and non-polar, with leucine, which is neutral and non-polar, at codon 366 of the CRB1 protein (p.Ile366Leu). This variant is not present in population databases (gnomAD no frequency). This variant has not been reported in the literature in individuals affected with CRB1-related conditions. ClinVar contains an entry for this variant (Variation ID: 944544). Advanced modeling of protein sequence and biophysical properties (such as structural, functional, and spatial information, amino acid conservation, physicochemical variation, residue mobility, and thermodynamic stability) performed at Invitae indicates that this missense variant is not expected to disrupt CRB1 protein function. In summary, the available evidence is currently insufficient to determine the role of this variant in disease. Therefore, it has been classified as a Variant of Uncertain Significance.

Natera, Inc.
Classification: Uncertain significance for Leber congenital amaurosis. Last evaluated: 2020-03-17. Review status: no assertion criteria provided. Collection method: clinical testing. Allele origin: germline. Not counted in ClinVar's aggregate classification.